The following is an entry in ClinVar:

ClinVar aggregate classification (germline): Pathogenic (1 of 4 stars; one submission).

Conditions:
Glycogen storage disease, type V (GSD5). Also called: MCARDLE DISEASE; MUSCLE GLYCOGEN PHOSPHORYLASE DEFICIENCY; MYOPHOSPHORYLASE DEFICIENCY; PYGM DEFICIENCY; McArdle type glycogen storage disease. Identifiers: Orphanet 368, MedGen C0017924, MONDO:0009293, OMIM 232600.

Submission:

Myriad Genetics, Inc.
Classification: Pathogenic for Glycogen storage disease, type V. Last evaluated: 2026-02-26. Review status: criteria provided, single submitter. Criteria: Myriad Autosomal Dominant, Autosomal Recessive and X-Linked Classification Criteria (2023). Collection method: clinical testing. Allele origin: unknown.
Comment: NM_005609.2(PYGM):c.540_550del11(D181Sfs*68) is expected to be pathogenic in the context of glycogen storage disease, PYGM-related. This variant is predicted to lead to an abnormal or absent protein product due to the creation of a premature termination codon in PYGM, a gene where loss-of-function variants are known to be pathogenic. Please note: this variant was assessed in the context of healthy population screening.

NM_005609.4(PYGM):c.540_550del (p.Asp181fs)

Gene: PYGM (glycogen phosphorylase, muscle associated; minus strand). Cytogenetic location: 11q13.1.
Variant type: Deletion.
Coding change: c.540_550del on transcript NM_005609.4 (MANE Select); coding-DNA positions 540 to 550, 11 bases deleted (CGATGACTGGC).
Protein change: p.Asp181fs; shifts the reading frame from aspartic acid 181.
Molecular consequence: frameshift variant.
Genome position (GRCh38, 1-based): chr11:64,757,889-64,757,899, GCCAGTCATCG deleted on the plus strand (CGATGACTGGC on the coding strand, the reverse complement: PYGM is on the minus strand); deleting any 11 consecutive bases within chr11:64,757,889-64,757,902 gives the same sequence; the c. name uses the placement nearest the transcript's 3' end. VCF-style (leftmost placement, unchanged base first): chr11-64757888-AGCCAGTCATCG-A. GRCh37 (hg19) VCF-style: chr11-64525360-AGCCAGTCATCG-A.
Other names: c.276_286del, p.Asp93fs (NM_001164716.1); short protein forms D181fs, D93fs.
Identifiers: ClinVar variation 5015611 (VCV005015611.1).